The following is an entry in ClinVar:

ClinVar aggregate classification (germline): Uncertain significance. Review status: criteria provided, single submitter (1 of 4 stars). 2 submissions from 2 submitters: Uncertain significance (1). 1 of the submissions does not count toward it. Last evaluated 2024-10-28.

Conditions:
Primary ciliary dyskinesia. Also called: Ciliary dyskinesia. Identifiers: Orphanet 244, MedGen C0008780, MONDO:0016575, HP:0012265.

Allele frequency attached by ClinVar (database versions not stated): ExAC 0.00001; gnomAD exomes 0.00001; gnomAD 0.00010 and 0.00012; TOPMed 0.00022.
gnomAD v4.1: 31 of 1,613,742 alleles (0.0019%); highest among the groups gnomAD compares: Admixed American, 0.033%; no homozygotes.

Submissions (2):

Labcorp Genetics (formerly Invitae), Labcorp
Classification: Uncertain significance for Primary ciliary dyskinesia. Last evaluated: 2024-10-28. Review status: criteria provided, single submitter. Criteria: Invitae Variant Classification Sherloc (09022015). Collection method: clinical testing. Allele origin: germline.
Comment: This sequence change falls in intron 1 of the DNAI1 gene. It does not directly change the encoded amino acid sequence of the DNAI1 protein. It affects a nucleotide within the consensus splice site. This variant is present in population databases (rs771238788, gnomAD 0.003%). This variant has not been reported in the literature in individuals affected with DNAI1-related conditions. ClinVar contains an entry for this variant (Variation ID: 566665). Variants that disrupt the consensus splice site are a relatively common cause of aberrant splicing (PMID: 17576681, 9536098). Algorithms developed to predict the effect of sequence changes on RNA splicing suggest that this variant may disrupt the consensus splice site. In summary, the available evidence is currently insufficient to determine the role of this variant in disease. Therefore, it has been classified as a Variant of Uncertain Significance.

Natera, Inc.
Classification: Uncertain significance for Primary ciliary dyskinesia. Last evaluated: 2020-09-16. Review status: no assertion criteria provided. Collection method: clinical testing. Allele origin: germline. Not counted in ClinVar's aggregate classification.

Literature cited by the submitters: PubMed 17576681 (cited by Labcorp Genetics (formerly Invitae), Labcorp); PubMed 9536098 (cited by Labcorp Genetics (formerly Invitae), Labcorp).

NM_012144.4(DNAI1):c.48+3A>G

Gene: DNAI1 (dynein axonemal intermediate chain 1; plus strand). Cytogenetic location: 9p13.3.
Variant type: single nucleotide variant.
Coding change: c.48+3A>G on transcript NM_012144.4 (MANE Select); 3 bases into the intron after coding-DNA position 48, A replaced by G.
Molecular consequence: intron variant.
Genome position (GRCh38, 1-based): chr9:34,459,056, A>G. VCF-style: chr9-34459056-A-G. GRCh37 (hg19) VCF-style: chr9-34459054-A-G.
Other names: c.48+3A>G (NM_001281428.2).
Identifiers: ClinVar variation 566665 (VCV000566665.6), dbSNP rs771238788, ClinGen allele CA5033879.